The following is an entry in ClinVar:

NM_000466.3(PEX1):c.1645C>T (p.Pro549Ser)

Gene: PEX1 (peroxisomal biogenesis factor 1; minus strand). Cytogenetic location: 7q21.2.
Variant type: single nucleotide variant.
Coding change: c.1645C>T on transcript NM_000466.3 (MANE Select); coding-DNA position 1645, C replaced by T.
Protein change: p.Pro549Ser; replaces proline 549 with serine.
Molecular consequence: missense variant.
Genome position (GRCh38, 1-based): chr7:92,509,354, G>A on the plus strand (C>T on the coding strand, the complement: PEX1 is on the minus strand). VCF-style: chr7-92509354-G-A. GRCh37 (hg19) VCF-style: chr7-92138668-G-A.
Other names: c.1645C>T, p.Pro549Ser (NM_001282677.2); c.1021C>T, p.Pro341Ser (NM_001282678.2); short protein forms P549S, P341S.
Identifiers: ClinVar variation 641328 (VCV000641328.7), dbSNP rs1053943553, ClinGen allele CA161967494.
Genomic context (GRCh38, chr7:92,509,354, plus strand): 5'-ATGTCTAACATGCTAGTTTGGCCATAACTTCTTACCCCAAAGAGCTCAGCTTTAAAAAAG[G>A]AAGAATAAAGTCAATTTCCTCACTGTTTTCTTCTTTTACCATAGGATCTAGAAGGACCTA-3'
Protein context (NP_000457.1, residues 539-559): ENSEEIDFIL[Pro549Ser]FLKLSSLGGV

ClinVar aggregate classification (germline): Uncertain significance (1 of 4 stars; one submission).

Conditions:
Zellweger spectrum disorders (ZS). Also called: Zellweger Spectrum Disorder; Zellweger Spectrum; Zellweger Spectrum Disorder (ZSD); Zellweger syndrome. Identifiers: Orphanet 912, MedGen C0043459, MONDO:0019609.

Submission:

Labcorp Genetics (formerly Invitae), Labcorp
Classification: Uncertain significance for Zellweger spectrum disorders. Last evaluated: 2021-08-12. Review status: criteria provided, single submitter. Criteria: Invitae Variant Classification Sherloc (09022015). Collection method: clinical testing. Allele origin: germline.
Comment: This sequence change replaces proline with serine at codon 549 of the PEX1 protein (p.Pro549Ser). The proline residue is moderately conserved and there is a moderate physicochemical difference between proline and serine. This variant is not present in population databases (ExAC no frequency). This missense change has been observed in individual(s) with clinical features of PEX1-related conditions (Invitae). Algorithms developed to predict the effect of missense changes on protein structure and function are either unavailable or do not agree on the potential impact of this missense change (SIFT: "Tolerated"; PolyPhen-2: "Possibly Damaging"; Align-GVGD: "Class C0"). In summary, the available evidence is currently insufficient to determine the role of this variant in disease. Therefore, it has been classified as a Variant of Uncertain Significance.